The following is an entry in ClinVar:

NM_001330311.2(DVL1):c.1985_1986del (p.Pro662fs)

Gene: DVL1 (dishevelled segment polarity protein 1; minus strand). Cytogenetic location: 1p36.33.
Variant type: Deletion.
Coding change: c.1985_1986del on transcript NM_001330311.2 (MANE Select); coding-DNA positions 1985 to 1986, 2 bases deleted (CT; older notation c.1985_1986delCT).
Protein change: p.Pro662fs; shifts the reading frame from proline 662.
Molecular consequence: frameshift variant.
Genome position (GRCh38, 1-based): chr1:1,336,244-1,336,245, AG deleted on the plus strand (CT on the coding strand, the reverse complement: DVL1 is on the minus strand). VCF-style (leftmost placement, unchanged base first): chr1-1336243-CAG-C. GRCh37 (hg19) VCF-style: chr1-1271623-CAG-C.
Other names: c.1910_1911del, p.Pro637fs (NM_004421.3); short protein forms P662fs, P637fs.
Identifiers: ClinVar variation 1513766 (VCV001513766.6), dbSNP rs2100702673, ClinGen allele CA2573130440.

ClinVar aggregate classification (germline): Uncertain significance (1 of 4 stars; one submission).

Submission:

Labcorp Genetics (formerly Invitae), Labcorp
Classification: Uncertain significance. Last evaluated: 2021-08-24. Review status: criteria provided, single submitter. Criteria: Invitae Variant Classification Sherloc (09022015). Collection method: clinical testing. Allele origin: germline.
Comment: This variant has not been reported in the literature in individuals affected with DVL1-related conditions. Experimental studies and prediction algorithms are not available or were not evaluated, and the functional significance of this variant is currently unknown. In summary, the available evidence is currently insufficient to determine the role of this variant in disease. Therefore, it has been classified as a Variant of Uncertain Significance. The frequency data for this variant in the population databases is considered unreliable, as metrics indicate insufficient coverage at this position in the ExAC database. This sequence change results in a frameshift in the DVL1 gene (p.Pro637Argfs*44). While this is not anticipated to result in nonsense mediated decay, it is expected to disrupt the last 34 amino acid(s) of the DVL1 protein and extend the protein by 9 additional amino acid residues.